The following is an entry in ClinVar:

NM_201384.3(PLEC):c.2891A>G (p.His964Arg)

Gene: PLEC (plectin; minus strand). Cytogenetic location: 8q24.3.
Variant type: single nucleotide variant.
Coding change: c.2891A>G on transcript NM_201384.3 (MANE Select); coding-DNA position 2891, A replaced by G.
Protein change: p.His964Arg; replaces histidine 964 with arginine.
Molecular consequence: missense variant.
Genome position (GRCh38, 1-based): chr8:143,929,678, T>C on the plus strand (A>G on the coding strand, the complement: PLEC is on the minus strand). VCF-style: chr8-143929678-T-C. GRCh37 (hg19) VCF-style: chr8-145003846-T-C.
Other names: c.2972A>G, p.His991Arg (NM_000445.5, NM_001410941.1); c.2849A>G, p.His950Arg (NM_201378.4); c.2825A>G, p.His942Arg (NM_201379.3); c.3302A>G, p.His1101Arg (NM_201380.4); c.2795A>G, p.His932Arg (NM_201381.3); c.2891A>G, p.His964Arg (NM_201382.4); c.2903A>G, p.His968Arg (NM_201383.3); short protein forms H932R, H942R, H964R, H1101R, H950R, H968R, H991R.
Identifiers: ClinVar variation 2935362 (VCV002935362.3), dbSNP rs2538508869, ClinGen allele CA372570739.
Genomic context (GRCh38, chr8:143,929,678, plus strand): 5'-CAACCGCCCCAGCCCTGCCGTGCCCTACCCTGTTCCAGGCTCTGCAGCAGCTGCTGGTAG[T>C]GGTGGCTGCAGGAGCCGTACTCGCGCTCAGCCATCAGCCGGTCCTCGGGTCCGAAGCCGC-3'
Protein context (NP_958786.1, residues 954-974): AEREYGSCSH[His964Arg]YQQLLQSLEQ

ClinVar aggregate classification (germline): Uncertain significance (1 of 4 stars; one submission).

Conditions:
Epidermolysis bullosa simplex with nail dystrophy (EBS5D). Identifiers: MedGen C4225309, MONDO:0014661, OMIM 616487.
Epidermolysis bullosa simplex 5C, with pyloric atresia (EBS5C). Also called: PLEC-Related Epidermolysis Bullosa with Pyloric Atresia; Epidermolysis bullosa simplex with pyloric atresia; PLEC1-Related Epidermolysis Bullosa with Pyloric Atresia. Identifiers: Orphanet 158684, MedGen C2677349, MONDO:0012807, OMIM 612138.
Autosomal recessive limb-girdle muscular dystrophy type 2Q (LGMDR17). Also called: MUSCULAR DYSTROPHY, LIMB-GIRDLE, AUTOSOMAL RECESSIVE 17. Identifiers: Orphanet 254361, MedGen C3150989, MONDO:0013390, OMIM 613723.
Epidermolysis bullosa simplex, Ogna type (EBS5A). Also called: Pidermolysis bullosa simplex 5A, Ogna type; EPIDERMOLYSIS BULLOSA SIMPLEX 5A, OGNA TYPE. Identifiers: Orphanet 79401, MedGen C0432317, MONDO:0007555, OMIM 131950.
Epidermolysis bullosa simplex 5B, with muscular dystrophy (EBS5B). Also called: EPIDERMOLYSIS BULLOSA SIMPLEX AND LIMB-GIRDLE MUSCULAR DYSTROPHY; Epidermolysis bullosa simplex with muscular dystrophy. Identifiers: Orphanet 257, MedGen C2931072, MONDO:0009181, OMIM 226670.

Submission:

Labcorp Genetics (formerly Invitae), Labcorp
Classification: Uncertain significance for Autosomal recessive limb-girdle muscular dystrophy type 2Q; Epidermolysis bullosa simplex, Ogna type; Epidermolysis bullosa simplex with nail dystrophy; Epidermolysis bullosa simplex 5C, with pyloric atresia; Epidermolysis bullosa simplex 5B, with muscular dystrophy. Last evaluated: 2022-12-31. Review status: criteria provided, single submitter. Criteria: Invitae Variant Classification Sherloc (09022015). Collection method: clinical testing. Allele origin: germline.
Comment: This sequence change replaces histidine, which is basic and polar, with arginine, which is basic and polar, at codon 991 of the PLEC protein (p.His991Arg). This variant is not present in population databases (gnomAD no frequency). In summary, the available evidence is currently insufficient to determine the role of this variant in disease. Therefore, it has been classified as a Variant of Uncertain Significance. Advanced modeling of protein sequence and biophysical properties (such as structural, functional, and spatial information, amino acid conservation, physicochemical variation, residue mobility, and thermodynamic stability) performed at Invitae indicates that this missense variant is not expected to disrupt PLEC protein function. This variant has not been reported in the literature in individuals affected with PLEC-related conditions.